The following is an entry in ClinVar:

ClinVar aggregate classification (germline): Benign. Review status: criteria provided, multiple submitters, no conflicts (2 of 4 stars). 4 submissions from 4 submitters: Benign (4). Last evaluated 2026-02-03.

Conditions:
Mitochondrial complex I deficiency, nuclear type 26. Also called: Mitochondrial complex 1 deficiency, nuclear type 26. Identifiers: MedGen C4748809, MONDO:0032630, OMIM 618247.

Allele frequency attached by ClinVar (database versions not stated): ESP Exome Variant Server 0.63373; TOPMed 0.65558; 1000 Genomes Project 30x 0.70144; 1000 Genomes Project 0.70607; ExAC 0.71857; gnomAD exomes 0.72251.
gnomAD v4.1: 1,129,217 of 1,601,760 alleles (70%); highest among the groups gnomAD compares: East Asian, 84%; 401,409 homozygotes.

Submissions (4):

Labcorp Genetics (formerly Invitae), Labcorp
Classification: Benign. Last evaluated: 2026-02-03. Review status: criteria provided, single submitter. Criteria: Invitae Variant Classification Sherloc (09022015). Collection method: clinical testing. Allele origin: germline.

Genome-Nilou Lab
Classification: Benign for Mitochondrial complex I deficiency, nuclear type 26. Last evaluated: 2021-09-05. Review status: criteria provided, single submitter. Criteria: ACMG Guidelines, 2015. Collection method: clinical testing. Allele origin: germline. Affected: no.

GeneDx
Classification: Benign. Last evaluated: 2013-09-09. Review status: criteria provided, single submitter. Criteria: GeneDx Variant Classification (06012015). Collection method: clinical testing. Allele origin: germline. Affected: yes.
Comment: This variant is considered likely benign or benign based on one or more of the following criteria: it is a conservative change, it occurs at a poorly conserved position in the protein, it is predicted to be benign by multiple in silico algorithms, and/or has population frequency not consistent with disease.

Breakthrough Genomics
Classification: Benign. Review status: criteria provided, single submitter. Criteria: ACMG Guidelines, 2015. Collection method: not provided. Allele origin: germline. Inheritance: Autosomal recessive inheritance. Affected: yes.

NM_005002.5(NDUFA9):c.552+11A>C

Gene: NDUFA9 (NADH:ubiquinone oxidoreductase subunit A9; plus strand). Cytogenetic location: 12p13.32.
Variant type: single nucleotide variant.
Coding change: c.552+11A>C on transcript NM_005002.5 (MANE Select); 11 bases into the intron after coding-DNA position 552, A replaced by C.
Molecular consequence: intron variant.
Genome position (GRCh38, 1-based): chr12:4,659,188, A>C. VCF-style: chr12-4659188-A-C. GRCh37 (hg19) VCF-style: chr12-4768354-A-C.
Identifiers: ClinVar variation 138448 (VCV000138448.13), dbSNP rs7972657, ClinGen allele CA292438.